The following is an entry in ClinVar:

NM_004527.4(MEOX1):c.494C>T (p.Pro165Leu)

Gene: MEOX1 (mesenchyme homeobox 1; minus strand). Cytogenetic location: 17q21.31.
Variant type: single nucleotide variant.
Coding change: c.494C>T on transcript NM_004527.4 (MANE Select); coding-DNA position 494, C replaced by T.
Protein change: p.Pro165Leu; replaces proline 165 with leucine.
Molecular consequence: missense variant. On other transcripts: intron variant (1).
Genome position (GRCh38, 1-based): chr17:43,643,636, G>A on the plus strand (C>T on the coding strand, the complement: MEOX1 is on the minus strand). VCF-style: chr17-43643636-G-A. GRCh37 (hg19) VCF-style: chr17-41721004-G-A.
Other names: c.494C>T (NM_004527.3); c.149C>T, p.Pro50Leu (NM_001040002.2); c.470-1604C>T (NM_013999.4); short protein forms P165L, P50L.
Identifiers: ClinVar variation 1400187 (VCV001400187.7), dbSNP rs368638447, ClinGen allele CA8592609.

ClinVar aggregate classification (germline): Uncertain significance. Review status: criteria provided, multiple submitters, no conflicts (2 of 4 stars). 3 submissions from 3 submitters: Uncertain significance (3). Last evaluated 2026-06-28.

Conditions:
Inborn genetic diseases. Identifiers: MedGen C0950123, MeSH D030342.
MEOX1-related disorder. Also called: MEOX1-related condition.

Allele frequency attached by ClinVar (database versions not stated): gnomAD exomes 0.00002 and 0.00003; ExAC 0.00003; TOPMed 0.00004; ESP Exome Variant Server 0.00008.
gnomAD v4.1: 29 of 1,613,114 alleles (0.0018%); highest among the groups gnomAD compares: Admixed American, 0.015%; no homozygotes.

Submissions (3):

PreventionGenetics, part of Exact Sciences
Classification: Uncertain significance for MEOX1-related condition. Last evaluated: 2026-06-28. Review status: criteria provided, single submitter. Criteria: ACMG Guidelines, 2015. Collection method: clinical testing. Allele origin: germline.
Comment: The MEOX1 c.494C>T variant is predicted to result in the amino acid substitution p.Pro165Leu. To our knowledge, this variant has not been reported in the literature. This variant is reported in 0.017% of alleles in individuals of Latino descent in gnomAD. At this time, the clinical significance of this variant is uncertain due to the absence of conclusive functional and genetic evidence.

Ambry Genetics
Classification: Uncertain significance for Inborn genetic diseases. Last evaluated: 2025-08-26. Review status: criteria provided, single submitter. Criteria: Ambry Variant Classification Scheme 2023. Collection method: clinical testing. Allele origin: germline.

Labcorp Genetics (formerly Invitae), Labcorp
Classification: Uncertain significance. Last evaluated: 2022-07-06. Review status: criteria provided, single submitter. Criteria: Invitae Variant Classification Sherloc (09022015). Collection method: clinical testing. Allele origin: germline.
Comment: This sequence change replaces proline, which is neutral and non-polar, with leucine, which is neutral and non-polar, at codon 165 of the MEOX1 protein (p.Pro165Leu). This variant is present in population databases (rs368638447, gnomAD 0.01%). This variant has not been reported in the literature in individuals affected with MEOX1-related conditions. ClinVar contains an entry for this variant (Variation ID: 1400187). Algorithms developed to predict the effect of missense changes on protein structure and function (SIFT, PolyPhen-2, Align-GVGD) all suggest that this variant is likely to be tolerated. In summary, the available evidence is currently insufficient to determine the role of this variant in disease. Therefore, it has been classified as a Variant of Uncertain Significance.